The following is an entry in ClinVar:

NM_199420.4(POLQ):c.2039T>C (p.Met680Thr)

Gene: POLQ (DNA polymerase theta; minus strand). Cytogenetic location: 3q13.33.
Variant type: single nucleotide variant.
Coding change: c.2039T>C on transcript NM_199420.4 (MANE Select); coding-DNA position 2039, T replaced by C.
Protein change: p.Met680Thr; replaces methionine 680 with threonine.
Molecular consequence: missense variant.
Genome position (GRCh38, 1-based): chr3:121,498,591, A>G on the plus strand (T>C on the coding strand, the complement: POLQ is on the minus strand). VCF-style: chr3-121498591-A-G. GRCh37 (hg19) VCF-style: chr3-121217438-A-G.
Other names: short protein forms M680T.
Identifiers: ClinVar variation 3308560 (VCV003308560.1).

ClinVar aggregate classification (germline): Uncertain significance (1 of 4 stars; one submission).

gnomAD v4.1: 1 of 1,613,720 alleles (0.000062%); highest among the groups gnomAD compares: East Asian, 0.0022%; no homozygotes.

Submission:

Ambry Genetics
Classification: Uncertain significance. Last evaluated: 2024-06-02. Review status: criteria provided, single submitter. Criteria: Ambry Variant Classification Scheme 2023. Collection method: clinical testing. Allele origin: germline.
Comment: The p.M680T variant (also known as c.2039T>C), located in coding exon 13 of the POLQ gene, results from a T to C substitution at nucleotide position 2039. The methionine at codon 680 is replaced by threonine, an amino acid with similar properties. This amino acid position is conserved. In addition, this alteration is predicted to be tolerated by in silico analysis. Based on the available evidence, the clinical significance of this variant remains unclear.